The following is an entry in ClinVar:

ClinVar aggregate classification (germline): Uncertain significance. Review status: criteria provided, multiple submitters, no conflicts (2 of 4 stars). 2 submissions from 2 submitters: Uncertain significance (2). Last evaluated 2024-01-03.

Allele frequency attached by ClinVar (database versions not stated): gnomAD 0.00001; ExAC 0.00004; 1000 Genomes Project 30x 0.00031; 1000 Genomes Project 0.00040.
gnomAD v4.1: 6 of 1,573,742 alleles (0.00038%); highest among the groups gnomAD compares: South Asian, 0.0058%; no homozygotes.

Submissions (2):

Mayo Clinic Laboratories, Mayo Clinic
Classification: Uncertain significance. Last evaluated: 2024-01-03. Review status: criteria provided, single submitter. Criteria: ACMG Guidelines, 2015. Collection method: clinical testing. Allele origin: germline. Observed: 1 variant allele.

Women's Health and Genetics/Laboratory Corporation of America, LabCorp
Classification: Uncertain significance. Last evaluated: 2023-05-04. Review status: criteria provided, single submitter. Criteria: LabCorp Variant Classification Summary - May 2015. Collection method: clinical testing. Allele origin: germline.
Comment: Variant summary: ABCG5 c.501+5G>A alters a conserved nucleotide located close to a canonical splice site and therefore could affect mRNA splicing, leading to a significantly altered protein sequence. Several computational tools predict a significant impact on normal splicing: one predict the variant abolishes a 5 prime splicing donor site; three predict the variant weakens a 5 prime donor site. However, these predictions have yet to be confirmed by functional studies. The variant allele was found at a frequency of 1.6e-05 in 185888 control chromosomes. The available data on variant occurrences in the general population are insufficient to allow any conclusion about variant significance. To our knowledge, no occurrence of c.501+5G>A in individuals affected with Sitosterolemia and no experimental evidence demonstrating its impact on protein function have been reported. No clinical diagnostic laboratories have submitted clinical-significance assessments for this variant to ClinVar after 2014. Based on the evidence outlined above, the variant was classified as uncertain significance.

NM_022436.3(ABCG5):c.501+5G>A

Gene: ABCG5 (ATP binding cassette subfamily G member 5; minus strand). Cytogenetic location: 2p21.
Variant type: single nucleotide variant.
Coding change: c.501+5G>A on transcript NM_022436.3 (MANE Select); 5 bases into the intron after coding-DNA position 501, G replaced by A.
Molecular consequence: intron variant.
Genome position (GRCh38, 1-based): chr2:43,831,764, C>T on the plus strand (G>A on the coding strand, the complement: ABCG5 is on the minus strand). VCF-style: chr2-43831764-C-T. GRCh37 (hg19) VCF-style: chr2-44058903-C-T.
Identifiers: ClinVar variation 2506050 (VCV002506050.2), dbSNP rs563324954, ClinGen allele CA1636665.